The following is an entry in ClinVar:

NM_000018.4(ACADVL):c.1013_1016del (p.Asn338fs)

Gene: ACADVL (acyl-CoA dehydrogenase very long chain; plus strand). Cytogenetic location: 17p13.1.
Variant type: Deletion.
Coding change: c.1013_1016del on transcript NM_000018.4 (MANE Select); coding-DNA positions 1013 to 1016, 4 bases deleted (ACAA; older notation c.1013_1016delACAA).
Protein change: p.Asn338fs; shifts the reading frame from asparagine 338.
Molecular consequence: frameshift variant.
Genome position (GRCh38, 1-based): chr17:7,222,801-7,222,804, ACAA deleted; deleting any 4 consecutive bases within chr17:7,222,800-7,222,804 gives the same sequence; the c. name uses the placement nearest the transcript's 3' end. VCF-style (leftmost placement, unchanged base first): chr17-7222799-CAACA-C. GRCh37 (hg19) VCF-style: chr17-7126118-CAACA-C.
Other names: c.947_950del, p.Asn316fs (NM_001033859.3); c.1082_1085del, p.Asn361fs (NM_001270447.2); c.785_788del, p.Asn262fs (NM_001270448.2); short protein forms N262fs, N316fs, N361fs, N338fs.
Identifiers: ClinVar variation 2830534 (VCV002830534.5), dbSNP rs2508318485, ClinGen allele CA2501910813.

ClinVar aggregate classification (germline): Pathogenic/Likely pathogenic. Review status: criteria provided, multiple submitters, no conflicts (2 of 4 stars). 3 submissions from 3 submitters: Pathogenic (2); Likely pathogenic (1). Last evaluated 2026-03-21.

Conditions:
Very long chain acyl-CoA dehydrogenase deficiency (ACADVLD). Also called: Very Long-Chain Acyl-Coenzyme A Dehydrogenase Deficiency; VLCAD Deficiency. Identifiers: Orphanet 26793, MedGen C3887523, MONDO:0008723, OMIM 201475.

Submissions (3):

Myriad Genetics, Inc.
Classification: Pathogenic for Very long chain acyl-CoA dehydrogenase deficiency. Last evaluated: 2026-03-21. Review status: criteria provided, single submitter. Criteria: Myriad Autosomal Dominant, Autosomal Recessive and X-Linked Classification Criteria (2023). Collection method: clinical testing. Allele origin: unknown.
Comment: NM_000018.3(ACADVL):c.1013_1016delACAA(N338Mfs*14) is expected to be pathogenic in the context of very-long-chain acyl-CoA dehydrogenase deficiency. This variant is predicted to lead to an abnormal or absent protein product due to the creation of a premature termination codon in ACADVL, a gene where loss-of-function variants are known to be pathogenic. Please note: this variant was assessed in the context of healthy population screening.

Baylor Genetics
Classification: Likely pathogenic for Very long chain acyl-CoA dehydrogenase deficiency. Last evaluated: 2024-03-04. Review status: criteria provided, single submitter. Criteria: ACMG Guidelines, 2015. Collection method: clinical testing. Allele origin: unknown.

Labcorp Genetics (formerly Invitae), Labcorp
Classification: Pathogenic for Very long chain acyl-CoA dehydrogenase deficiency. Last evaluated: 2023-08-05. Review status: criteria provided, single submitter. Criteria: Invitae Variant Classification Sherloc (09022015). Collection method: clinical testing. Allele origin: germline.
Comment: For these reasons, this variant has been classified as Pathogenic. This variant has not been reported in the literature in individuals affected with ACADVL-related conditions. This variant is not present in population databases (gnomAD no frequency). This sequence change creates a premature translational stop signal (p.Asn338Metfs*14) in the ACADVL gene. It is expected to result in an absent or disrupted protein product. Loss-of-function variants in ACADVL are known to be pathogenic (PMID: 9973285, 11590124).

Literature cited by the submitters: PubMed 9973285 (cited by Labcorp Genetics (formerly Invitae), Labcorp); PubMed 11590124 (cited by Labcorp Genetics (formerly Invitae), Labcorp).